The following is an entry in ClinVar:

NM_006267.5(RANBP2):c.238G>A (p.Val80Ile)

Gene: RANBP2 (RAN binding protein 2; plus strand). Cytogenetic location: 2q13.
Variant type: single nucleotide variant.
Coding change: c.238G>A on transcript NM_006267.5 (MANE Select); coding-DNA position 238, G replaced by A.
Protein change: p.Val80Ile; replaces valine 80 with isoleucine.
Molecular consequence: missense variant.
Genome position (GRCh38, 1-based): chr2:108,730,871, G>A. VCF-style: chr2-108730871-G-A. GRCh37 (hg19) VCF-style: chr2-109347327-G-A.
Other names: short protein forms V80I.
Identifiers: ClinVar variation 380588 (VCV000380588.11), dbSNP rs140785381, ClinGen allele CA1821973.

ClinVar aggregate classification (germline): Benign/Likely benign. Review status: criteria provided, multiple submitters, no conflicts (2 of 4 stars). 2 submissions from 2 submitters: Benign (1); Likely benign (1). Last evaluated 2024-02-24.

Conditions:
Familial acute necrotizing encephalopathy (IIAE3). Also called: ENCEPHALOPATHY, ACUTE, INFECTION-INDUCED, SUSCEPTIBILITY TO, 3; Susceptibility to Acute Necrotizing Encephalopathy 1. Identifiers: Orphanet 88619, MedGen C2675556, MONDO:0011953, OMIM 608033.

Allele frequency attached by ClinVar (database versions not stated): gnomAD exomes 0.00050 and 0.00099; gnomAD 0.00054 and 0.00058; TOPMed 0.00060; ESP Exome Variant Server 0.00074; ExAC 0.00090.

Submissions (2):

Labcorp Genetics (formerly Invitae), Labcorp
Classification: Benign for Familial acute necrotizing encephalopathy. Last evaluated: 2024-02-24. Review status: criteria provided, single submitter. Criteria: Invitae Variant Classification Sherloc (09022015). Collection method: clinical testing. Allele origin: germline.

GeneDx
Classification: Likely benign. Last evaluated: 2016-11-01. Review status: criteria provided, single submitter. Criteria: GeneDx Variant Classification (06012015). Collection method: clinical testing. Allele origin: germline. Affected: yes.
Comment: This variant is considered likely benign or benign based on one or more of the following criteria: it is a conservative change, it occurs at a poorly conserved position in the protein, it is predicted to be benign by multiple in silico algorithms, and/or has population frequency not consistent with disease.